The following is an entry in ClinVar:

ClinVar aggregate classification (germline): Uncertain significance (1 of 4 stars; one submission).

gnomAD v4.1: 3 of 1,587,792 alleles (0.00019%); highest among the groups gnomAD compares: Non-Finnish European, 0.00026%; no homozygotes.

Submission:

Labcorp Genetics (formerly Invitae), Labcorp
Classification: Uncertain significance. Last evaluated: 2025-04-11. Review status: criteria provided, single submitter. Criteria: Invitae Variant Classification Sherloc (09022015). Collection method: clinical testing. Allele origin: germline.
Comment: This sequence change replaces alanine, which is neutral and non-polar, with valine, which is neutral and non-polar, at codon 5 of the LEMD3 protein (p.Ala5Val). This variant is not present in population databases (gnomAD no frequency). This variant has not been reported in the literature in individuals affected with LEMD3-related conditions. An algorithm developed to predict the effect of missense changes on protein structure and function (PolyPhen-2) suggests that this variant is likely to be tolerated. In summary, the available evidence is currently insufficient to determine the role of this variant in disease. Therefore, it has been classified as a Variant of Uncertain Significance.

NM_014319.5(LEMD3):c.14C>T (p.Ala5Val)

Gene: LEMD3 (LEM domain containing 3; plus strand). Cytogenetic location: 12q14.3.
Variant type: single nucleotide variant.
Coding change: c.14C>T on transcript NM_014319.5 (MANE Select); coding-DNA position 14, C replaced by T.
Protein change: p.Ala5Val; replaces alanine 5 with valine.
Molecular consequence: missense variant.
Genome position (GRCh38, 1-based): chr12:65,169,610, C>T. VCF-style: chr12-65169610-C-T. GRCh37 (hg19) VCF-style: chr12-65563390-C-T.
Other names: c.14C>T, p.Ala5Val (NM_001167614.2); short protein forms A5V.
Identifiers: ClinVar variation 4779247 (VCV004779247.1).